The following is an entry in ClinVar:

NM_005359.6(SMAD4):c.419G>C (p.Gly140Ala)

Gene: SMAD4 (SMAD family member 4; plus strand). Cytogenetic location: 18q21.2.
Variant type: single nucleotide variant.
Coding change: c.419G>C on transcript NM_005359.6 (MANE Select); coding-DNA position 419, G replaced by C.
Protein change: p.Gly140Ala; replaces glycine 140 with alanine.
Molecular consequence: missense variant. On other transcripts: non-coding transcript variant (2).
Genome position (GRCh38, 1-based): chr18:51,048,855, G>C. VCF-style: chr18-51048855-G-C. GRCh37 (hg19) VCF-style: chr18-48575225-G-C.
Other names: c.419G>C, p.Gly140Ala (NM_001407041.1, NM_001407042.1, NM_001407043.1); short protein forms G140A.
Identifiers: ClinVar variation 2757247 (VCV002757247.3), dbSNP rs1909623522, ClinGen allele CA402458884.
Genomic context (GRCh38, chr18:51,048,855, plus strand): 5'-ACTTAAAATGTGATAGTGTCTGTGTGAATCCATATCACTACGAACGAGTTGTATCACCTG[G>C]AATTGGTAAGTAGACTTTGCTTTCATCCTAAGAAACATAAAGGGAAAAGGATCTCAATAG-3'
Protein context (NP_005350.1, residues 130-150): PYHYERVVSP[Gly140Ala]IDLSGLTLQS

ClinVar aggregate classification (germline): Uncertain significance (1 of 4 stars; one submission).

Conditions:
Juvenile polyposis syndrome (JPS). Identifiers: Orphanet 2929, MedGen C0345893, MONDO:0017380, OMIM 174900.

Allele frequency attached by ClinVar (database versions not stated): TOPMed below 0.00001; gnomAD 0.00001.
gnomAD v4.1: 1 of 1,612,782 alleles (0.000062%); highest among the groups gnomAD compares: Admixed American, 0.0017%; no homozygotes.

Submission:

Labcorp Genetics (formerly Invitae), Labcorp
Classification: Uncertain significance for Juvenile polyposis syndrome. Last evaluated: 2023-09-01. Review status: criteria provided, single submitter. Criteria: Invitae Variant Classification Sherloc (09022015). Collection method: clinical testing. Allele origin: germline.
Comment: In summary, the available evidence is currently insufficient to determine the role of this variant in disease. Therefore, it has been classified as a Variant of Uncertain Significance. Advanced modeling of protein sequence and biophysical properties (such as structural, functional, and spatial information, amino acid conservation, physicochemical variation, residue mobility, and thermodynamic stability) has been performed at Invitae for this missense variant, however the output from this modeling did not meet the statistical confidence thresholds required to predict the impact of this variant on SMAD4 protein function. This variant has not been reported in the literature in individuals affected with SMAD4-related conditions. This variant is not present in population databases (gnomAD no frequency). This sequence change replaces glycine, which is neutral and non-polar, with alanine, which is neutral and non-polar, at codon 140 of the SMAD4 protein (p.Gly140Ala).